The following is an entry in ClinVar:

NM_024642.5(GALNT12):c.1624G>T (p.Glu542Ter)

Gene: GALNT12 (polypeptide N-acetylgalactosaminyltransferase 12; plus strand). Cytogenetic location: 9q22.33.
Variant type: single nucleotide variant.
Coding change: c.1624G>T on transcript NM_024642.5 (MANE Select); coding-DNA position 1624, G replaced by T.
Protein change: p.Glu542Ter; replaces glutamic acid 542 with a stop codon.
Molecular consequence: nonsense.
Genome position (GRCh38, 1-based): chr9:98,848,970, G>T. VCF-style: chr9-98848970-G-T. GRCh37 (hg19) VCF-style: chr9-101611252-G-T.
Other names: short protein forms E542*.
Identifiers: ClinVar variation 2566257 (VCV002566257.5), dbSNP rs376894835, ClinGen allele CA374222762.

ClinVar aggregate classification (germline): Uncertain significance. Review status: criteria provided, multiple submitters, no conflicts (2 of 4 stars). 2 submissions from 2 submitters: Uncertain significance (2). Last evaluated 2026-08-28.

Conditions:
Colorectal cancer, susceptibility to, 1. Also called: COLORECTAL CANCER, SUSCEPTIBILITY TO, ON CHROMOSOME 9; COLORECTAL ADENOMA AND CANCER, SUSCEPTIBILITY TO. Identifiers: MedGen C1837315, MONDO:0012132, OMIM 608812.

Submissions (2):

Ambry Genetics
Classification: Uncertain significance. Last evaluated: 2026-08-28. Review status: criteria provided, single submitter. Criteria: Ambry Variant Classification Scheme 2023. Collection method: clinical testing. Allele origin: germline.
Comment: The p.E542* variant (also known as c.1624G>T), located in coding exon 10 of the GALNT12 gene, results from a G to T substitution at nucleotide position 1624. This changes the amino acid from a glutamic acid to a stop codon within coding exon 10. This variant occurs at the 3' terminus of the gene and is not expected to trigger nonsense-mediated mRNA decay. The evidence for this gene-disease relationship is limited; therefore, the clinical significance of this variant is unclear.

Baylor Genetics
Classification: Uncertain significance for Colorectal cancer, susceptibility to, 1. Last evaluated: 2023-12-15. Review status: criteria provided, single submitter. Criteria: ACMG Guidelines, 2015. Collection method: clinical testing. Allele origin: unknown.